The following is an entry in ClinVar:

ClinVar aggregate classification (germline): Uncertain significance (1 of 4 stars; one submission).

Conditions:
Hereditary cancer-predisposing syndrome. Also called: Neoplastic Syndromes, Hereditary; Tumor predisposition; Hereditary Cancer Syndrome; Hereditary neoplastic syndrome. Identifiers: Orphanet 140162, MedGen C0027672, MeSH D009386, MONDO:0015356.

Submission:

Ambry Genetics
Classification: Uncertain significance for Hereditary cancer-predisposing syndrome. Last evaluated: 2026-02-20. Review status: criteria provided, single submitter. Criteria: Ambry Variant Classification Scheme 2023. Collection method: clinical testing. Allele origin: germline.
Comment: The p.A842D variant (also known as c.2525C>A), located in coding exon 4 of the MSH6 gene, results from a C to A substitution at nucleotide position 2525. The alanine at codon 842 is replaced by aspartic acid, an amino acid with dissimilar properties. This amino acid position is conserved. In addition, this alteration is predicted to be deleterious by in silico analysis. Based on the available evidence, the clinical significance of this variant remains unclear.

NM_000179.3(MSH6):c.2525C>A (p.Ala842Asp)

Gene: MSH6 (mutS homolog 6; plus strand). Cytogenetic location: 2p16.3.
Variant type: single nucleotide variant.
Coding change: c.2525C>A on transcript NM_000179.3 (MANE Select); coding-DNA position 2525, C replaced by A.
Protein change: p.Ala842Asp; replaces alanine 842 with aspartic acid.
Molecular consequence: missense variant. On other transcripts: non-coding transcript variant (5), intron variant (3).
Genome position (GRCh38, 1-based): chr2:47,800,508, C>A. VCF-style: chr2-47800508-C-A. GRCh37 (hg19) VCF-style: chr2-48027647-C-A.
Other names: c.1619C>A, p.Ala540Asp (NM_001281494.2, NM_001406815.1, NM_001406816.1 and 6 more transcripts); c.2621C>A, p.Ala874Asp (NM_001406795.1, NM_001406802.1); c.2525C>A, p.Ala842Asp (NM_001406796.1, NM_001406798.1, NM_001406800.1 and 2 more transcripts); c.2228C>A, p.Ala743Asp (NM_001406797.1, NM_001406801.1, NM_001406818.1 and 10 more transcripts); c.2000C>A, p.Ala667Asp (NM_001406799.1, NM_001406806.1, NM_001406807.1); c.2447C>A, p.Ala816Asp (NM_001406804.1); c.2135C>A, p.Ala712Asp (NM_001281492.2); c.2531C>A, p.Ala844Asp (NM_001406813.1); and 4 more; short protein forms A842D, A874D, A712D, A844D, A540D, A743D, A786D, A667D.
Identifiers: ClinVar variation 4825275 (VCV004825275.1).